The following is an entry in ClinVar:

ClinVar aggregate classification (germline): Uncertain significance. Review status: criteria provided, multiple submitters, no conflicts (2 of 4 stars). 2 submissions from 2 submitters: Uncertain significance (2). Last evaluated 2024-03-12.

Submissions (2):

Labcorp Genetics (formerly Invitae), Labcorp
Classification: Uncertain significance. Last evaluated: 2024-03-12. Review status: criteria provided, single submitter. Criteria: Invitae Variant Classification Sherloc (09022015). Collection method: clinical testing. Allele origin: germline.
Comment: This variant, c.2709_2726del, results in the deletion of 6 amino acid(s) of the GRIN2D protein (p.Ala906_Pro911del), but otherwise preserves the integrity of the reading frame. This variant is not present in population databases (gnomAD no frequency). This variant has not been reported in the literature in individuals affected with GRIN2D-related conditions. ClinVar contains an entry for this variant (Variation ID: 2571708). Experimental studies and prediction algorithms are not available or were not evaluated, and the functional significance of this variant is currently unknown. In summary, the available evidence is currently insufficient to determine the role of this variant in disease. Therefore, it has been classified as a Variant of Uncertain Significance.

GeneDx
Classification: Uncertain significance. Last evaluated: 2023-01-05. Review status: criteria provided, single submitter. Criteria: GeneDx Variant Classification Process June 2021. Collection method: clinical testing. Allele origin: germline. Affected: yes.
Comment: Not observed at significant frequency in large population cohorts (gnomAD); In-frame deletion of 6 amino acids in a non-repeat region; In silico analysis supports that this variant does not alter protein structure/function; Has not been previously published as pathogenic or benign to our knowledge

NM_000836.4(GRIN2D):c.2709_2726del (p.Ala906_Pro911del)

Gene: GRIN2D (glutamate ionotropic receptor NMDA type subunit 2D; plus strand). Cytogenetic location: 19q13.33.
Variant type: Deletion.
Coding change: c.2709_2726del on transcript NM_000836.4 (MANE Select); coding-DNA positions 2709 to 2726, 18 bases deleted (ACCGCCCGCCAAGCCCCC).
Protein change: p.Ala906_Pro911del.
Molecular consequence: inframe deletion.
Genome position (GRCh38, 1-based): chr19:48,442,635-48,442,652, ACCGCCCGCCAAGCCCCC deleted; deleting any 18 consecutive bases within chr19:48,442,631-48,442,652 gives the same sequence; the c. name uses the placement nearest the transcript's 3' end. VCF-style (leftmost placement, unchanged base first): chr19-48442630-GCCCCACCGCCCGCCAAGC-G. GRCh37 (hg19) VCF-style: chr19-48945887-GCCCCACCGCCCGCCAAGC-G.
Identifiers: ClinVar variation 2571708 (VCV002571708.4), dbSNP rs2513691670, ClinGen allele CA2580614931.